The following is an entry in ClinVar:

ClinVar aggregate classification (germline): Pathogenic (1 of 4 stars; one submission).

Conditions:
Developmental and epileptic encephalopathy, 23 (DEE23). Also called: Epileptic encephalopathy, early infantile, 23. Identifiers: Orphanet 411986, MedGen C4014492, MONDO:0014371, OMIM 615859.

Submission:

Labcorp Genetics (formerly Invitae), Labcorp
Classification: Pathogenic for Developmental and epileptic encephalopathy, 23. Last evaluated: 2022-05-10. Review status: criteria provided, single submitter. Criteria: Invitae Variant Classification Sherloc (09022015). Collection method: clinical testing. Allele origin: germline.
Comment: This sequence change creates a premature translational stop signal (p.Arg1420Alafs*13) in the DOCK7 gene. It is expected to result in an absent or disrupted protein product. Loss-of-function variants in DOCK7 are known to be pathogenic (PMID: 24814191). This variant is not present in population databases (gnomAD no frequency). This variant has not been reported in the literature in individuals affected with DOCK7-related conditions. Algorithms developed to predict the effect of sequence changes on RNA splicing suggest that this variant may create or strengthen a splice site. For these reasons, this variant has been classified as Pathogenic.

Literature cited by the submitters: PubMed 24814191.

NC_000001.11:g.62510670CT[1]

Gene: DOCK7 (dedicator of cytokinesis 7; minus strand). Cytogenetic location: 1p31.3.
Variant type: Microsatellite.
Genome position: GRCh38 VCF-style: chr1-62510668-TTCTC-T. GRCh37 (hg19) VCF-style: chr1-62976339-TTCTC-T.
Identifiers: ClinVar variation 1925575 (VCV001925575.5), dbSNP rs2524333986, ClinGen allele CA2574390718.
Genomic context (GRCh38, chr1:62,510,668, plus strand): 5'-GAGTCATATCTTTCCTCCACCTCAAATTTTCTTGACTTCCAAAGGCACTTCCAGATGGGC[TTCTC>T]TCTGTCAAATAAATTTCAAAACCAATTTTCAAATGTTATTTCAGTTGGACCACATATATG-3'